The following is an entry in ClinVar:

ClinVar aggregate classification (germline): Likely benign. Review status: criteria provided, multiple submitters, no conflicts (2 of 4 stars). 3 submissions from 3 submitters: Likely benign (2). 1 of the submissions does not count toward it. Last evaluated 2025-10-21.

Conditions:
INTU-related disorder. Also called: INTU-related condition.

Allele frequency attached by ClinVar (database versions not stated): gnomAD exomes 0.00009; 1000 Genomes Project 30x 0.00016; 1000 Genomes Project 0.00020; ESP Exome Variant Server 0.00062.
gnomAD v4.1: 200 of 1,513,172 alleles (0.013%); highest among the groups gnomAD compares: African/African-American, 0.15%; no homozygotes.

Submissions (3):

Labcorp Genetics (formerly Invitae), Labcorp
Classification: Likely benign. Last evaluated: 2025-10-21. Review status: criteria provided, single submitter. Criteria: Invitae Variant Classification Sherloc (09022015). Collection method: clinical testing. Allele origin: germline.

Blueprint Genetics
Classification: Likely benign. Last evaluated: 2024-10-25. Review status: criteria provided, single submitter. Criteria: ACMG Guidelines, 2015. Collection method: clinical testing. Allele origin: germline.

PreventionGenetics, part of Exact Sciences
Classification: Likely benign for INTU-related condition. Last evaluated: 2019-12-24. Review status: no assertion criteria provided. Collection method: clinical testing. Allele origin: germline. Not counted in ClinVar's aggregate classification.
Comment: This variant is classified as likely benign based on ACMG/AMP sequence variant interpretation guidelines (Richards et al. 2015 PMID: 25741868, with internal and published modifications).

NM_015693.4(INTU):c.2721A>G (p.Arg907=)

Gene: INTU (inturned planar cell polarity protein; plus strand). Cytogenetic location: 4q28.1.
Variant type: single nucleotide variant.
Coding change: c.2721A>G on transcript NM_015693.4 (MANE Select); coding-DNA position 2721, A replaced by G.
Protein change: p.Arg907=; no amino-acid change (arginine 907 retained).
Molecular consequence: synonymous variant.
Genome position (GRCh38, 1-based): chr4:127,716,328, A>G. VCF-style: chr4-127716328-A-G. GRCh37 (hg19) VCF-style: chr4-128637483-A-G.
Other names: c.2721A>G (NM_015693.3).
Identifiers: ClinVar variation 2045118 (VCV002045118.7), dbSNP rs144489807, ClinGen allele CA3075405.